The following is an entry in ClinVar:

NM_153704.6(TMEM67):c.2982G>T (p.Leu994Phe)

Gene: TMEM67 (transmembrane protein 67; plus strand). Cytogenetic location: 8q22.1.
Variant type: single nucleotide variant.
Coding change: c.2982G>T on transcript NM_153704.6 (MANE Select); coding-DNA position 2982, G replaced by T.
Protein change: p.Leu994Phe; replaces leucine 994 with phenylalanine.
Molecular consequence: missense variant. On other transcripts: non-coding transcript variant (1).
Genome position (GRCh38, 1-based): chr8:93,816,446, G>T. VCF-style: chr8-93816446-G-T. GRCh37 (hg19) VCF-style: chr8-94828674-G-T.
Other names: c.2739G>T, p.Leu913Phe (NM_001142301.1); short protein forms L913F, L994F.
Identifiers: ClinVar variation 2150135 (VCV002150135.3), dbSNP rs1808911245, ClinGen allele CA371701675.

ClinVar aggregate classification (germline): Uncertain significance. Review status: criteria provided, multiple submitters, no conflicts (2 of 4 stars). 2 submissions from 2 submitters: Uncertain significance (2). Last evaluated 2023-05-08.

Conditions:
Inborn genetic diseases. Identifiers: MedGen C0950123, MeSH D030342.
Joubert syndrome. Also called: CEREBELLOPARENCHYMAL DISORDER IV; JOUBERT-BOLTSHAUSER SYNDROME; Familial aplasia of the vermis. Identifiers: Orphanet 475, MedGen C5979921, MONDO:0018772.
Meckel-Gruber syndrome. Also called: DYSENCEPHALIA SPLANCHNOCYSTICA; GRUBER SYNDROME; Dysencephalia splachnocystica. Identifiers: Orphanet 564, MedGen C0265215, MONDO:0018921.

Allele frequency attached by ClinVar (database versions not stated): gnomAD 0.00001; gnomAD exomes 0.00001.
gnomAD v4.1: 12 of 1,576,230 alleles (0.00076%); highest among the groups gnomAD compares: East Asian, 0.0022%; no homozygotes.

Submissions (2):

Ambry Genetics
Classification: Uncertain significance for Inborn genetic diseases. Last evaluated: 2023-05-08. Review status: criteria provided, single submitter. Criteria: Ambry Variant Classification Scheme 2023. Collection method: clinical testing. Allele origin: germline.

Labcorp Genetics (formerly Invitae), Labcorp
Classification: Uncertain significance for Joubert syndrome; Meckel-Gruber syndrome. Last evaluated: 2021-12-09. Review status: criteria provided, single submitter. Criteria: Invitae Variant Classification Sherloc (09022015). Collection method: clinical testing. Allele origin: germline.
Comment: This sequence change replaces leucine, which is neutral and non-polar, with phenylalanine, which is neutral and non-polar, at codon 994 of the TMEM67 protein (p.Leu994Phe). This variant is not present in population databases (gnomAD no frequency). This variant has not been reported in the literature in individuals affected with TMEM67-related conditions. Advanced modeling of protein sequence and biophysical properties (such as structural, functional, and spatial information, amino acid conservation, physicochemical variation, residue mobility, and thermodynamic stability) performed at Invitae indicates that this missense variant is expected to disrupt TMEM67 protein function. In summary, the available evidence is currently insufficient to determine the role of this variant in disease. Therefore, it has been classified as a Variant of Uncertain Significance.